The following is an entry in ClinVar:

NM_000551.4(VHL):c.207C>G (p.Arg69=)

Gene: VHL (von Hippel-Lindau tumor suppressor; plus strand). Cytogenetic location: 3p25.3.
Variant type: single nucleotide variant.
Coding change: c.207C>G on transcript NM_000551.4 (MANE Select); coding-DNA position 207, C replaced by G.
Protein change: p.Arg69=; no amino-acid change (arginine 69 retained).
Molecular consequence: synonymous variant.
Genome position (GRCh38, 1-based): chr3:10,142,054, C>G. VCF-style: chr3-10142054-C-G. GRCh37 (hg19) VCF-style: chr3-10183738-C-G.
Other names: c.207C>G, p.Arg69= (NM_001354723.2, NM_198156.3).
Identifiers: ClinVar variation 1137865 (VCV001137865.13), dbSNP rs1060503550, ClinGen allele CA432536414.
Genomic context (GRCh38, chr3:10,142,054, plus strand): 5'-CGCCGAGGAGGAGATGGAGGCCGGGCGGCCGCGGCCCGTGCTGCGCTCGGTGAACTCGCG[C>G]GAGCCCTCCCAGGTCATCTTCTGCAATCGCAGTCCGCGCGTCGTGCTGCCCGTATGGCTC-3'
Protein context (NP_000542.1, residues 59-79): PRPVLRSVNS[Arg69=]EPSQVIFCNR

ClinVar aggregate classification (germline): Benign/Likely benign. Review status: criteria provided, multiple submitters, no conflicts (2 of 4 stars). 4 submissions from 4 submitters: Benign (1); Likely benign (2). 1 of the submissions does not count toward it. Last evaluated 2025-06-10.

Conditions:
Chuvash polycythemia. Also called: POLYCYTHEMIA, VHL-DEPENDENT. Identifiers: Orphanet 238557, MedGen C1837915, MONDO:0009892, OMIM 263400.
Von Hippel-Lindau syndrome (VHLS). Also called: von Hippel–Lindau syndrome; Von Hippel-Lindau; VHL syndrome. Identifiers: Orphanet 892, MedGen C0019562, MONDO:0008667, OMIM 193300. Disease mechanism: loss of function.
VHL-related disorder. Also called: VHL-related condition.
Hereditary cancer-predisposing syndrome. Also called: Neoplastic Syndromes, Hereditary; Hereditary neoplastic syndrome; Tumor predisposition; Hereditary Cancer Syndrome. Identifiers: Orphanet 140162, MedGen C0027672, MeSH D009386, MONDO:0015356.

Submissions (4):

Myriad Genetics, Inc.
Classification: Benign for Von Hippel-Lindau syndrome. Last evaluated: 2025-06-10. Review status: criteria provided, single submitter. Criteria: Myriad Autosomal Dominant, Autosomal Recessive and X-Linked Classification Criteria (2023). Collection method: clinical testing. Allele origin: unknown.
Comment: This variant is considered benign. This variant is a silent/synonymous amino acid change and it is not expected to impact splicing.

Labcorp Genetics (formerly Invitae), Labcorp
Classification: Likely benign for Von Hippel-Lindau syndrome; Chuvash polycythemia. Last evaluated: 2021-10-18. Review status: criteria provided, single submitter. Criteria: Invitae Variant Classification Sherloc (09022015). Collection method: clinical testing. Allele origin: germline.

Ambry Genetics
Classification: Likely benign for Hereditary cancer-predisposing syndrome. Last evaluated: 2019-11-22. Review status: criteria provided, single submitter. Criteria: Ambry Variant Classification Scheme 2023. Collection method: clinical testing. Allele origin: germline.

PreventionGenetics, part of Exact Sciences
Classification: Likely benign for VHL-related condition. Last evaluated: 2024-03-06. Review status: no assertion criteria provided. Collection method: clinical testing. Allele origin: germline. Not counted in ClinVar's aggregate classification.
Comment: This variant is classified as likely benign based on ACMG/AMP sequence variant interpretation guidelines (Richards et al. 2015 PMID: 25741868, with internal and published modifications).